The following is an entry in ClinVar:

ClinVar aggregate classification (germline): Uncertain significance. Review status: criteria provided, multiple submitters, no conflicts (2 of 4 stars). 2 submissions from 2 submitters: Uncertain significance (2). Last evaluated 2026-01-27.

Conditions:
Hereditary cancer-predisposing syndrome. Also called: Tumor predisposition; Neoplastic Syndromes, Hereditary; Hereditary Cancer Syndrome; Hereditary neoplastic syndrome. Identifiers: Orphanet 140162, MedGen C0027672, MeSH D009386, MONDO:0015356.
Hereditary diffuse gastric adenocarcinoma (HDGC). Also called: DIFFUSE GASTRIC AND LOBULAR BREAST CANCER SYNDROME. Identifiers: Orphanet 26106, MedGen C1708349, MONDO:0007648, OMIM 137215.

Submissions (2):

Labcorp Genetics (formerly Invitae), Labcorp
Classification: Uncertain significance for Hereditary diffuse gastric adenocarcinoma. Last evaluated: 2026-01-27. Review status: criteria provided, single submitter. Criteria: Invitae Variant Classification Sherloc (09022015). Collection method: clinical testing. Allele origin: germline.
Comment: This sequence change replaces aspartic acid, which is acidic and polar, with histidine, which is basic and polar, at codon 812 of the CDH1 protein (p.Asp812His). This variant is not present in population databases (gnomAD no frequency). This variant has not been reported in the literature in individuals affected with CDH1-related conditions. ClinVar contains an entry for this variant (Variation ID: 3998757). An algorithm developed to predict the effect of missense changes on protein structure and function (PolyPhen-2) suggests that this variant is likely to be disruptive. In summary, the available evidence is currently insufficient to determine the role of this variant in disease. Therefore, it has been classified as a Variant of Uncertain Significance.

Ambry Genetics
Classification: Uncertain significance for Hereditary cancer-predisposing syndrome. Last evaluated: 2025-03-29. Review status: criteria provided, single submitter. Criteria: Ambry Variant Classification Scheme 2023. Collection method: clinical testing. Allele origin: germline.
Comment: The p.D812H variant (also known as c.2434G>C), located in coding exon 15 of the CDH1 gene, results from a G to C substitution at nucleotide position 2434. The aspartic acid at codon 812 is replaced by histidine, an amino acid with similar properties. This amino acid position is conserved. In addition, the in silico prediction for this alteration is inconclusive. Based on the available evidence, the clinical significance of this variant remains unclear.

NM_004360.5(CDH1):c.2434G>C (p.Asp812His)

Gene: CDH1 (cadherin 1; plus strand). Cytogenetic location: 16q22.1.
Variant type: single nucleotide variant.
Coding change: c.2434G>C on transcript NM_004360.5 (MANE Select); coding-DNA position 2434, G replaced by C.
Protein change: p.Asp812His; replaces aspartic acid 812 with histidine.
Molecular consequence: missense variant.
Genome position (GRCh38, 1-based): chr16:68,829,792, G>C. VCF-style: chr16-68829792-G-C. GRCh37 (hg19) VCF-style: chr16-68863695-G-C.
Other names: c.469G>C, p.Asp157His (NM_001317186.2); c.2251G>C, p.Asp751His (NM_001317184.2); c.886G>C, p.Asp296His (NM_001317185.2); short protein forms D812H, D157H, D296H, D751H.
Identifiers: ClinVar variation 3998757 (VCV003998757.2).